The following is an entry in ClinVar:

ClinVar aggregate classification (germline): Uncertain significance (1 of 4 stars; one submission).

Conditions:
A2ML1-related disorder. Also called: A2ML1-related condition.

gnomAD v4.1: 3 of 1,614,210 alleles (0.00019%); highest among the groups gnomAD compares: Non-Finnish European, 0.00025%; no homozygotes.

Submission:

PreventionGenetics, part of Exact Sciences
Classification: Uncertain significance for A2ML1-related condition. Last evaluated: 2022-11-10. Review status: criteria provided, single submitter. Criteria: ACMG Guidelines, 2015. Collection method: clinical testing. Allele origin: germline.
Comment: The A2ML1 c.2312C>T variant is predicted to result in the amino acid substitution p.Ser771Phe. To our knowledge, this variant has not been reported in the literature or in a large population database, indicating this variant is rare. At this time, the clinical significance of this variant is uncertain due to the absence of conclusive functional and genetic evidence.

NM_144670.6(A2ML1):c.2312C>T (p.Ser771Phe)

Gene: A2ML1 (alpha-2-macroglobulin like 1; plus strand). Cytogenetic location: 12p13.31.
Variant type: single nucleotide variant.
Coding change: c.2312C>T on transcript NM_144670.6 (MANE Select); coding-DNA position 2312, C replaced by T.
Protein change: p.Ser771Phe; replaces serine 771 with phenylalanine.
Molecular consequence: missense variant.
Genome position (GRCh38, 1-based): chr12:8,851,861, C>T. VCF-style: chr12-8851861-C-T. GRCh37 (hg19) VCF-style: chr12-9004457-C-T.
Other names: c.839C>T, p.Ser280Phe (NM_001282424.3); short protein forms S280F, S771F.
Identifiers: ClinVar variation 2635619 (VCV002635619.1), dbSNP rs751048962, ClinGen allele CA232690915.